The following is an entry in ClinVar:

NM_022726.4(ELOVL4):c.359A>G (p.His120Arg)

Gene: ELOVL4 (ELOVL fatty acid elongase 4; minus strand). Cytogenetic location: 6q14.1.
Variant type: single nucleotide variant.
Coding change: c.359A>G on transcript NM_022726.4 (MANE Select); coding-DNA position 359, A replaced by G.
Protein change: p.His120Arg; replaces histidine 120 with arginine.
Molecular consequence: missense variant.
Genome position (GRCh38, 1-based): chr6:79,924,962, T>C on the plus strand (A>G on the coding strand, the complement: ELOVL4 is on the minus strand). VCF-style: chr6-79924962-T-C. GRCh37 (hg19) VCF-style: chr6-80634679-T-C.
Other names: short protein forms H120R.
Identifiers: ClinVar variation 1061789 (VCV001061789.9), dbSNP rs1437951190, ClinGen allele CA364657049.

ClinVar aggregate classification (germline): Uncertain significance (1 of 4 stars; one submission).

Allele frequency attached by ClinVar (database versions not stated): gnomAD 0.00001.
gnomAD v4.1: 3 of 1,601,196 alleles (0.00019%); highest among the groups gnomAD compares: Admixed American, 0.0017%; no homozygotes.

Submission:

Labcorp Genetics (formerly Invitae), Labcorp
Classification: Uncertain significance. Last evaluated: 2025-08-26. Review status: criteria provided, single submitter. Criteria: Invitae Variant Classification Sherloc (09022015). Collection method: clinical testing. Allele origin: germline.
Comment: This sequence change replaces histidine, which is basic and polar, with arginine, which is basic and polar, at codon 120 of the ELOVL4 protein (p.His120Arg). This variant is not present in population databases (gnomAD no frequency). This variant has not been reported in the literature in individuals affected with ELOVL4-related conditions. ClinVar contains an entry for this variant (Variation ID: 1061789). Invitae Evidence Modeling of protein sequence and biophysical properties (such as structural, functional, and spatial information, amino acid conservation, physicochemical variation, residue mobility, and thermodynamic stability) indicates that this missense variant is not expected to disrupt ELOVL4 protein function with a negative predictive value of 80%. In summary, the available evidence is currently insufficient to determine the role of this variant in disease. Therefore, it has been classified as a Variant of Uncertain Significance.